The following is an entry in ClinVar:

ClinVar aggregate classification (germline): Likely benign. Review status: criteria provided, multiple submitters, no conflicts (2 of 4 stars). 5 submissions from 5 submitters: Likely benign (4). 1 of the submissions does not count toward it. Last evaluated 2025-10-29.

Conditions:
Becker muscular dystrophy (BMD). Also called: MUSCULAR DYSTROPHY, PSEUDOHYPERTROPHIC PROGRESSIVE, BECKER TYPE; Becker Muscular Dystrophy (BMD). Identifiers: Orphanet 98895, MedGen C0917713, MONDO:0010311, OMIM 300376.
Cardiomyopathy (CMYO). Also called: Cardiomyopathies. Identifiers: Orphanet 167848, MedGen C0878544, MONDO:0004994, HP:0001638. Inheritance: Various modes of inheritance.
Duchenne muscular dystrophy (DMD). Also called: MUSCULAR DYSTROPHY, PSEUDOHYPERTROPHIC PROGRESSIVE, DUCHENNE TYPE; Duchenne Muscular Dystrophy (DMD). Identifiers: Orphanet 98896, MedGen C0013264, MONDO:0010679, OMIM 310200.
Dystrophin deficiency.
Cardiovascular phenotype. Identifiers: MedGen CN230736.

Allele frequency attached by ClinVar (database versions not stated): gnomAD 0.00004; ESP Exome Variant Server 0.00009; gnomAD exomes 0.00001; TOPMed 0.00002.
gnomAD v4.1: 15 of 1,209,104 alleles (0.0012%); highest among the groups gnomAD compares: African/African-American, 0.0018%; no homozygotes.

Submissions (5):

Women's Health and Genetics/Laboratory Corporation of America, LabCorp
Classification: Likely benign. Last evaluated: 2025-10-29. Review status: criteria provided, single submitter. Criteria: LabCorp Variant Classification Summary - May 2015. Collection method: clinical testing. Allele origin: germline.

Labcorp Genetics (formerly Invitae), Labcorp
Classification: Likely benign for Duchenne muscular dystrophy. Last evaluated: 2025-06-02. Review status: criteria provided, single submitter. Criteria: Invitae Variant Classification Sherloc (09022015). Collection method: clinical testing. Allele origin: germline.

Ambry Genetics
Classification: Likely benign for Cardiovascular phenotype. Last evaluated: 2020-09-23. Review status: criteria provided, single submitter. Criteria: Ambry Variant Classification Scheme 2023. Collection method: clinical testing. Allele origin: germline.

GeneDx
Classification: Likely benign. Last evaluated: 2016-11-16. Review status: criteria provided, single submitter. Criteria: GeneDx Variant Classification (06012015). Collection method: clinical testing. Allele origin: germline. Affected: yes.
Comment: This variant is considered likely benign or benign based on one or more of the following criteria: it is a conservative change, it occurs at a poorly conserved position in the protein, it is predicted to be benign by multiple in silico algorithms, and/or has population frequency not consistent with disease.

Natera, Inc.
Classification: Likely benign for Becker muscular dystrophy; Cardiomyopathy; Duchenne muscular dystrophy; Dystrophin deficiency. Last evaluated: 2020-05-06. Review status: no assertion criteria provided. Collection method: clinical testing. Allele origin: germline. Not counted in ClinVar's aggregate classification.

NM_004006.3(DMD):c.5109T>C (p.Asp1703=)

Gene: DMD (dystrophin; minus strand). Cytogenetic location: Xp21.1.
Variant type: single nucleotide variant.
Coding change: c.5109T>C on transcript NM_004006.3 (MANE Select); coding-DNA position 5109, T replaced by C.
Protein change: p.Asp1703=; no amino-acid change (aspartic acid 1703 retained).
Molecular consequence: synonymous variant.
Genome position (GRCh38, 1-based): chrX:32,364,627, A>G on the plus strand (T>C on the coding strand, the complement: DMD is on the minus strand). VCF-style: chrX-32364627-A-G. GRCh37 (hg19) VCF-style: chrX-32382744-A-G.
Other names: c.5085T>C, p.Asp1695= (NM_000109.4); c.5097T>C, p.Asp1699= (NM_004009.3); c.4740T>C, p.Asp1580= (NM_004010.3); c.1086T>C, p.Asp362= (NM_004011.4); c.1077T>C, p.Asp359= (NM_004012.4).
Identifiers: ClinVar variation 390924 (VCV000390924.16), dbSNP rs141086798, ClinGen allele CA16609176.